The following is an entry in ClinVar:

NM_018958.3(NPAP1):c.1729A>G (p.Asn577Asp)

Gene: NPAP1 (nuclear pore associated protein 1; plus strand). Cytogenetic location: 15q11.2.
Variant type: single nucleotide variant.
Coding change: c.1729A>G on transcript NM_018958.3 (MANE Select); coding-DNA position 1729, A replaced by G.
Protein change: p.Asn577Asp; replaces asparagine 577 with aspartic acid.
Molecular consequence: missense variant.
Genome position (GRCh38, 1-based): chr15:24,677,596, A>G. VCF-style: chr15-24677596-A-G. GRCh37 (hg19) VCF-style: chr15-24922743-A-G.
Other names: c.1729A>G (NM_018958.2); short protein forms N577D.
Identifiers: ClinVar variation 3025429 (VCV003025429.23), dbSNP rs143728288, ClinGen allele CA7430789.

ClinVar aggregate classification (germline): Conflicting classifications of pathogenicity. Review status: criteria provided, conflicting classifications (1 of 4 stars). 2 submissions from 2 submitters: Uncertain significance (1); Likely benign (1). Last evaluated 2024-01-01.

Allele frequency attached by ClinVar (database versions not stated): gnomAD 0.00015; ESP Exome Variant Server 0.00023; TOPMed 0.00023; ExAC 0.00035.
gnomAD v4.1: 357 of 1,614,076 alleles (0.022%); highest among the groups gnomAD compares: Admixed American, 0.05%; 3 homozygotes.

Submissions (2):

CeGaT Center for Human Genetics Tuebingen
Classification: Likely benign. Last evaluated: 2024-01-01. Review status: criteria provided, single submitter. Criteria: CeGaT Center For Human Genetics Tuebingen Variant Classification Criteria Version 2. Collection method: clinical testing. Allele origin: germline. Affected: yes. Observed: 1 variant allele.
Comment: NPAP1: BP4, BS1

Ambry Genetics
Classification: Uncertain significance. Last evaluated: 2021-10-26. Review status: criteria provided, single submitter. Criteria: Ambry Variant Classification Scheme 2023. Collection method: clinical testing. Allele origin: germline.